The following is an entry in ClinVar:

ClinVar aggregate classification (germline): Uncertain significance. Review status: criteria provided, multiple submitters, no conflicts (2 of 4 stars). 3 submissions from 3 submitters: Uncertain significance (3). Last evaluated 2026-01-07.

Conditions:
Hereditary cancer-predisposing syndrome. Also called: Neoplastic Syndromes, Hereditary; Tumor predisposition; Hereditary Cancer Syndrome; Hereditary neoplastic syndrome. Identifiers: Orphanet 140162, MedGen C0027672, MeSH D009386, MONDO:0015356.
Familial cancer of breast. Also called: BREAST CANCER, FAMILIAL; Hereditary breast cancer; hereditary breast carcinoma. Identifiers: Orphanet 227535, MedGen C0346153, MONDO:0016419, OMIM 114480. Disease mechanism: loss of function.

Submissions (3):

Labcorp Genetics (formerly Invitae), Labcorp
Classification: Uncertain significance for Familial cancer of breast. Last evaluated: 2026-01-07. Review status: criteria provided, single submitter. Criteria: Invitae Variant Classification Sherloc (09022015). Collection method: clinical testing. Allele origin: germline.
Comment: This sequence change replaces glutamic acid, which is acidic and polar, with lysine, which is basic and polar, at codon 907 of the PALB2 protein (p.Glu907Lys). This variant is not present in population databases (gnomAD no frequency). This variant has not been reported in the literature in individuals affected with PALB2-related conditions. ClinVar contains an entry for this variant (Variation ID: 484182). Invitae Evidence Modeling of protein sequence and biophysical properties (such as structural, functional, and spatial information, amino acid conservation, physicochemical variation, residue mobility, and thermodynamic stability) indicates that this missense variant is not expected to disrupt PALB2 protein function with a negative predictive value of 80%. In summary, the available evidence is currently insufficient to determine the role of this variant in disease. Therefore, it has been classified as a Variant of Uncertain Significance.

Ambry Genetics
Classification: Uncertain significance for Hereditary cancer-predisposing syndrome. Last evaluated: 2025-09-07. Review status: criteria provided, single submitter. Criteria: Ambry Variant Classification Scheme 2023. Collection method: clinical testing. Allele origin: germline.
Comment: The p.E907K variant (also known as c.2719G>A), located in coding exon 7 of the PALB2 gene, results from a G to A substitution at nucleotide position 2719. The glutamic acid at codon 907 is replaced by lysine, an amino acid with similar properties. This variant was not reported in population based cohorts in the following databases: Database of Single Nucleotide Polymorphisms (dbSNP), NHLBI Exome Sequencing Project (ESP), and 1000 Genomes Project. In the ESP, this variant was not observed in 6497 samples (12994 alleles) with coverage at this position. To date, this alteration has been detected with an allele frequency of approximately 0.001% (greater than 130000 alleles tested) in our clinical cohort. This amino acid position is poorly conserved in available vertebrate species. In addition, this alteration is predicted to be tolerated by in silico analysis. Since supporting evidence is limited at this time, the clinical significance of this alteration remains unclear.

Women's Health and Genetics/Laboratory Corporation of America, LabCorp
Classification: Uncertain significance. Last evaluated: 2024-02-08. Review status: criteria provided, single submitter. Criteria: LabCorp Variant Classification Summary - May 2015. Collection method: clinical testing. Allele origin: germline.
Comment: Variant summary: PALB2 c.2719G>A (p.Glu907Lys) results in a conservative amino acid change in the encoded protein sequence. Four of five in-silico tools predict a benign effect of the variant on protein function. The variant was absent in 251486 control chromosomes (gnomAD). The available data on variant occurrences in the general population are insufficient to allow any conclusion about variant significance. To our knowledge, no occurrence of c.2719G>A in individuals affected with Breast Cancer and no experimental evidence demonstrating its impact on protein function have been reported. ClinVar contains an entry for this variant (Variation ID: 484182). Based on the evidence outlined above, the variant was classified as uncertain significance.

NM_024675.4(PALB2):c.2719G>A (p.Glu907Lys)

Gene: PALB2 (partner and localizer of BRCA2; minus strand). Cytogenetic location: 16p12.2.
Variant type: single nucleotide variant.
Coding change: c.2719G>A on transcript NM_024675.4 (MANE Select); coding-DNA position 2719, G replaced by A.
Protein change: p.Glu907Lys; replaces glutamic acid 907 with lysine.
Molecular consequence: missense variant.
Genome position (GRCh38, 1-based): chr16:23,626,265, C>T on the plus strand (G>A on the coding strand, the complement: PALB2 is on the minus strand). VCF-style: chr16-23626265-C-T. GRCh37 (hg19) VCF-style: chr16-23637586-C-T.
Other names: short protein forms E907K.
Identifiers: ClinVar variation 484182 (VCV000484182.17), dbSNP rs1555459933, ClinGen allele CA395121877.